The following is an entry in ClinVar:

NM_020693.4(DSCAML1):c.2228G>A (p.Arg743His)

Gene: DSCAML1 (DS cell adhesion molecule like 1; minus strand). Cytogenetic location: 11q23.3.
Variant type: single nucleotide variant.
Coding change: c.2228G>A on transcript NM_020693.4 (MANE Select); coding-DNA position 2228, G replaced by A.
Protein change: p.Arg743His; replaces arginine 743 with histidine.
Molecular consequence: missense variant.
Genome position (GRCh38, 1-based): chr11:117,503,976, C>T on the plus strand (G>A on the coding strand, the complement: DSCAML1 is on the minus strand). VCF-style: chr11-117503976-C-T. GRCh37 (hg19) VCF-style: chr11-117374691-C-T.
Other names: c.2228G>A, p.Arg743His (NM_001367904.1); short protein forms R743H.
Identifiers: ClinVar variation 3640015 (VCV003640015.2).
Genomic context (GRCh38, chr11:117,503,976, plus strand): 5'-CCGATGTCCTCTTCTAGGACGTGGCGGATCAGCAGCGAGCTGTTGGGCAGGATCTGGATG[C>T]GGCCAGTGAGGGGCACAGGGTGGTACTGCTGGGGGTTCCCGCTCCCTGGAAGGAGGCAGC-3'
Protein context (NP_065744.3, residues 733-753): QQYHPVPLTG[Arg743His]IQILPNSSLL

ClinVar aggregate classification (germline): Uncertain significance (1 of 4 stars; one submission).

gnomAD v4.1: 14 of 1,613,990 alleles (0.00087%); highest among the groups gnomAD compares: Middle Eastern, 0.016%; no homozygotes.

Submission:

Labcorp Genetics (formerly Invitae), Labcorp
Classification: Uncertain significance. Last evaluated: 2025-02-08. Review status: criteria provided, single submitter. Criteria: Invitae Variant Classification Sherloc (09022015). Collection method: clinical testing. Allele origin: germline.
Comment: This sequence change replaces arginine, which is basic and polar, with histidine, which is basic and polar, at codon 803 of the DSCAML1 protein (p.Arg803His). This variant is not present in population databases (gnomAD no frequency). This variant has not been reported in the literature in individuals affected with DSCAML1-related conditions. An algorithm developed to predict the effect of missense changes on protein structure and function (PolyPhen-2) suggests that this variant is likely to be disruptive. In summary, the available evidence is currently insufficient to determine the role of this variant in disease. Therefore, it has been classified as a Variant of Uncertain Significance.